The following is an entry in ClinVar:

NM_002074.5(GNB1):c.494C>T (p.Thr165Met)

Gene: GNB1 (G protein subunit beta 1; minus strand). Cytogenetic location: 1p36.33.
Variant type: single nucleotide variant.
Coding change: c.494C>T on transcript NM_002074.5 (MANE Select); coding-DNA position 494, C replaced by T.
Protein change: p.Thr165Met; replaces threonine 165 with methionine.
Molecular consequence: missense variant.
Genome position (GRCh38, 1-based): chr1:1,793,248, G>A on the plus strand (C>T on the coding strand, the complement: GNB1 is on the minus strand). VCF-style: chr1-1793248-G-A. GRCh37 (hg19) VCF-style: chr1-1724687-G-A.
Other names: c.194C>T, p.Thr65Met (NM_001282538.2); c.494C>T, p.Thr165Met (NM_001282539.2); short protein forms T165M, T65M.
Identifiers: ClinVar variation 4620951 (VCV004620951.2).
Genomic context (GRCh38, chr1:1,793,248, plus strand): 5'-AATGTGCCAGGGGCTGTGGGTTCTCAAGGCACTGCCTGCCCCGGGTCAGGTACTTACCAC[G>A]TGGTGTCTCCAGAGCTGGTGACGATCTGATTGTCATCCAGGAATCGGCAGCAGGACAGGT-3'
Protein context (NP_002065.1, residues 155-175): NQIVTSSGDT[Thr165Met]CALWDIETGQ

ClinVar aggregate classification (germline): Uncertain significance. Review status: criteria provided, multiple submitters, no conflicts (2 of 4 stars). 2 submissions from 2 submitters: Uncertain significance (2). Last evaluated 2025-12-10.

Conditions:
Inborn genetic diseases. Identifiers: MedGen C0950123, MeSH D030342.

gnomAD v4.1: 14 of 1,609,922 alleles (0.00087%); highest among the groups gnomAD compares: Non-Finnish European, 0.0012%; no homozygotes.

Submissions (2):

Labcorp Genetics (formerly Invitae), Labcorp
Classification: Uncertain significance. Last evaluated: 2025-12-10. Review status: criteria provided, single submitter. Criteria: Invitae Variant Classification Sherloc (09022015). Collection method: clinical testing. Allele origin: germline.
Comment: This sequence change replaces threonine, which is neutral and polar, with methionine, which is neutral and non-polar, at codon 165 of the GNB1 protein (p.Thr165Met). The frequency data for this variant in the population databases is considered unreliable, as metrics indicate poor data quality at this position in the gnomAD database. This variant has not been reported in the literature in individuals affected with GNB1-related conditions. Invitae Evidence Modeling of protein sequence and biophysical properties (such as structural, functional, and spatial information, amino acid conservation, physicochemical variation, residue mobility, and thermodynamic stability) has been performed for this missense variant. However, the output from this modeling did not meet the statistical confidence thresholds required to predict the impact of this variant on GNB1 protein function. In summary, the available evidence is currently insufficient to determine the role of this variant in disease. Therefore, it has been classified as a Variant of Uncertain Significance.

Ambry Genetics
Classification: Uncertain significance for Inborn genetic diseases. Last evaluated: 2025-10-06. Review status: criteria provided, single submitter. Criteria: Ambry Variant Classification Scheme 2023. Collection method: clinical testing. Allele origin: germline.